The following is an entry in ClinVar:

NM_182916.3(TRNT1):c.331A>G (p.Ile111Val)

Gene: TRNT1 (tRNA nucleotidyl transferase 1; plus strand). Cytogenetic location: 3p26.2.
Variant type: single nucleotide variant.
Coding change: c.331A>G on transcript NM_182916.3 (MANE Select); coding-DNA position 331, A replaced by G.
Protein change: p.Ile111Val; replaces isoleucine 111 with valine.
Molecular consequence: missense variant. On other transcripts: non-coding transcript variant (8).
Genome position (GRCh38, 1-based): chr3:3,137,442, A>G. VCF-style: chr3-3137442-A-G. GRCh37 (hg19) VCF-style: chr3-3179126-A-G.
Other names: c.331A>G, p.Ile111Val (NM_001302946.2, NM_001367321.1, NM_001367322.1 and 1 more transcripts); short protein forms I111V.
Identifiers: ClinVar variation 772461 (VCV000772461.19), dbSNP rs149263693, ClinGen allele CA2228603.

ClinVar aggregate classification (germline): Benign/Likely benign. Review status: criteria provided, multiple submitters, no conflicts (2 of 4 stars). 5 submissions from 5 submitters: Benign (1); Likely benign (2). 2 of the submissions do not count toward it. Last evaluated 2026-01-18.

Conditions:
Congenital sideroblastic anemia-B-cell immunodeficiency-periodic fever-developmental delay syndrome. Also called: Sideroblastic anemia with B-cell immunodeficiency, periodic fevers, and developmental delay. Identifiers: Orphanet 369861, MedGen C4015172, MONDO:0014487, OMIM 616084.

Allele frequency attached by ClinVar (database versions not stated): gnomAD 0.00069 and 0.00075; TOPMed 0.00087; ESP Exome Variant Server 0.00092; 1000 Genomes Project 0.00160; 1000 Genomes Project 30x 0.00187.
gnomAD v4.1: 604 of 1,609,032 alleles (0.038%); highest among the groups gnomAD compares: African/African-American, 0.26%; 2 homozygotes.

Submissions (5):

Labcorp Genetics (formerly Invitae), Labcorp
Classification: Benign for Congenital sideroblastic anemia-B-cell immunodeficiency-periodic fever-developmental delay syndrome. Last evaluated: 2026-01-18. Review status: criteria provided, single submitter. Criteria: Invitae Variant Classification Sherloc (09022015). Collection method: clinical testing. Allele origin: germline.

CeGaT Center for Human Genetics Tuebingen
Classification: Likely benign. Last evaluated: 2025-12-01. Review status: criteria provided, single submitter. Criteria: CeGaT Center For Human Genetics Tuebingen Variant Classification Criteria Version 2. Collection method: clinical testing. Allele origin: germline. Affected: yes. Observed: 1 variant allele.
Comment: TRNT1: BP4

GeneDx
Classification: Likely benign. Last evaluated: 2019-02-18. Review status: criteria provided, single submitter. Criteria: GeneDx Variant Classification Process June 2021. Collection method: clinical testing. Allele origin: germline. Affected: yes.

Clinical Genetics DNA and cytogenetics Diagnostics Lab, Erasmus MC, Erasmus Medical Center
Classification: Likely benign. Review status: no assertion criteria provided. Collection method: clinical testing. Allele origin: germline. Affected: yes. Study: VKGL Data-share Consensus. Not counted in ClinVar's aggregate classification.

Genome Diagnostics Laboratory, University Medical Center Utrecht
Classification: Likely benign. Review status: no assertion criteria provided. Collection method: clinical testing. Allele origin: germline. Affected: yes. Study: VKGL Data-share Consensus. Not counted in ClinVar's aggregate classification.